The following is an entry in ClinVar:

NM_024675.4(PALB2):c.3114-554_3166del

Gene: PALB2 (partner and localizer of BRCA2; minus strand). Cytogenetic location: 16p12.2.
Variant type: Deletion.
Coding change: c.3114-554_3166del on transcript NM_024675.4 (MANE Select); 554 bases into the intron before coding-DNA position 3114 through coding-DNA position 3166, 607 bases deleted.
Molecular consequence: splice acceptor variant. On other transcripts: intron variant (3).
Genome position (GRCh38, 1-based): chr16:23,614,039-23,614,645, 607 bases deleted. GRCh37 (hg19): chr16:23,625,360-23,625,966.
Other names: c.2229-554_2281del (NM_001407305.1, NM_001407310.1, NM_001407304.1 and 2 more transcripts); c.2228+6717_2228+7323del (NM_001407308.1, NM_001407309.1); c.648-554_700del (NM_001407314.1); c.1326-554_1378del (NM_001407313.1, NM_001407312.1); c.3054-554_3106del (NM_001407296.1); c.3042-554_3094del (NM_001407297.1); c.2952-554_3004del (NM_001407302.1, NM_001407298.1); c.2835-554_2887del (NM_001407300.1); and 3 more.
Identifiers: ClinVar variation 2587416 (VCV002587416.2), dbSNP rs2506265634, ClinGen allele CA2582342507.

ClinVar aggregate classification (germline): Likely pathogenic (1 of 4 stars; one submission).

Conditions:
Hereditary cancer-predisposing syndrome. Also called: Tumor predisposition; Hereditary Cancer Syndrome; Hereditary neoplastic syndrome; Neoplastic Syndromes, Hereditary. Identifiers: Orphanet 140162, MedGen C0027672, MeSH D009386, MONDO:0015356.

Submission:

Ambry Genetics
Classification: Likely pathogenic for Hereditary cancer-predisposing syndrome. Last evaluated: 2023-09-08. Review status: criteria provided, single submitter. Criteria: Ambry Variant Classification Scheme 2023. Collection method: clinical testing. Allele origin: germline.
Comment: The complex rearrangement is an Alu-mediated deletion involving an Alu insertion (c.3179_3180insAlu) and a deletion of 607 nucleotides between positions c.3114-554 and c.3166 and involves the canonical splice acceptor site before coding exon 11 of the PALB2 gene. This variant is considered to be rare based on population cohorts in the Genome Aggregation Database (gnomAD). In silico splice site analysis predicts that this alteration will weaken the native splice acceptor site; however, direct evidence is insufficient at this time (Ambry internal data). Alterations that disrupt the canonical splice site are expected to cause aberrant splicing, resulting in an abnormal protein or a transcript that is subject to nonsense-mediated mRNA decay. As such, this alteration is classified as likely pathogenic.